The following is an entry in ClinVar:

NM_000038.6(APC):c.8247A>G (p.Ser2749=)

Gene: APC (APC regulator of Wnt signaling pathway; plus strand). Cytogenetic location: 5q22.2.
Variant type: single nucleotide variant.
Coding change: c.8247A>G on transcript NM_000038.6 (MANE Select); coding-DNA position 8247, A replaced by G.
Protein change: p.Ser2749=; no amino-acid change (serine 2749 retained).
Molecular consequence: synonymous variant.
Genome position (GRCh38, 1-based): chr5:112,843,841, A>G. VCF-style: chr5-112843841-A-G. GRCh37 (hg19) VCF-style: chr5-112179538-A-G.
Other names: c.8247A>G, p.Ser2749= (NM_001127510.3, NM_001354895.2); c.8193A>G, p.Ser2731= (NM_001127511.3); c.8301A>G, p.Ser2767= (NM_001354896.2); c.8277A>G, p.Ser2759= (NM_001354897.2); c.8172A>G, p.Ser2724= (NM_001354898.2); c.8163A>G, p.Ser2721= (NM_001354899.2); c.8124A>G, p.Ser2708= (NM_001354900.2); c.8070A>G, p.Ser2690= (NM_001354901.2); and 5 more.
Identifiers: ClinVar variation 919134 (VCV000919134.8), dbSNP rs953342697, ClinGen allele CA446211351.

ClinVar aggregate classification (germline): Benign/Likely benign. Review status: criteria provided, multiple submitters, no conflicts (2 of 4 stars). 4 submissions from 4 submitters: Benign (1); Likely benign (3). Last evaluated 2024-04-15.

Conditions:
Hereditary cancer-predisposing syndrome. Also called: Neoplastic Syndromes, Hereditary; Tumor predisposition; Hereditary Cancer Syndrome; Hereditary neoplastic syndrome. Identifiers: Orphanet 140162, MedGen C0027672, MeSH D009386, MONDO:0015356.
Familial adenomatous polyposis 1 (FAP1). Also called: FAMILIAL ADENOMATOUS POLYPOSIS 1, ATTENUATED; POLYPOSIS, ADENOMATOUS INTESTINAL. Identifiers: MedGen C2713442, MONDO:0021056, OMIM 175100. Disease mechanism: loss of function.

Submissions (4):

Myriad Genetics, Inc.
Classification: Benign for Familial adenomatous polyposis 1. Last evaluated: 2024-04-15. Review status: criteria provided, single submitter. Criteria: Myriad Autosomal Dominant, Autosomal Recessive and X-Linked Classification Criteria (2023). Collection method: clinical testing. Allele origin: unknown.
Comment: This variant is considered benign. This variant is a silent/synonymous amino acid change and it is not expected to impact splicing.

Labcorp Genetics (formerly Invitae), Labcorp
Classification: Likely benign for Familial adenomatous polyposis 1. Last evaluated: 2023-08-07. Review status: criteria provided, single submitter. Criteria: Invitae Variant Classification Sherloc (09022015). Collection method: clinical testing. Allele origin: germline.

Ambry Genetics
Classification: Likely benign for Hereditary cancer-predisposing syndrome. Last evaluated: 2021-02-17. Review status: criteria provided, single submitter. Criteria: Ambry Variant Classification Scheme 2023. Collection method: clinical testing. Allele origin: germline.

Color Diagnostics, LLC DBA Color Health
Classification: Likely benign for Hereditary cancer-predisposing syndrome. Last evaluated: 2019-01-02. Review status: criteria provided, single submitter. Criteria: ACMG Guidelines, 2015. Collection method: clinical testing. Allele origin: germline.